The following is an entry in ClinVar:

ClinVar aggregate classification (germline): Conflicting classifications of pathogenicity. Review status: criteria provided, conflicting classifications (1 of 4 stars). 11 submissions from 11 submitters: Pathogenic (3); Likely pathogenic (5); Uncertain significance (1). 2 of the submissions do not count toward it. Last evaluated 2026-02-12.

Conditions:
Cardiomyopathy (CMYO). Also called: Cardiomyopathies. Identifiers: Orphanet 167848, MedGen C0878544, MONDO:0004994, HP:0001638. Inheritance: Various modes of inheritance.
Cardiovascular phenotype. Identifiers: MedGen CN230736.
Hypertrophic cardiomyopathy. Also called: HYPERTROPHIC MYOCARDIOPATHY. Identifiers: Orphanet 217569, MedGen C0007194, MeSH D002312, MONDO:0005045, HP:0001639.
MYH7-related disorder. Also called: MYH7-related condition; MYH7-related disease; MYH7-related disorders.

gnomAD v4.1: 6 of 1,614,134 alleles (0.00037%); highest among the groups gnomAD compares: African/African-American, 0.0013%; no homozygotes.

Submissions (11):

GeneDx
Classification: Likely pathogenic. Last evaluated: 2026-02-12. Review status: criteria provided, single submitter. Criteria: GeneDx Variant Classification Process June 2021. Collection method: clinical testing. Allele origin: germline. Affected: yes.
Comment: Reported in association with hypertrophic cardiomyopathy (HCM) or unexplained cardiac arrest in individuals referred for genetic testing at GeneDx and in published literature; detailed clinical and segregation data were often not provided (PMID: 27532257, 33673806, 35352813, 37652022); Not observed at significant frequency in large population cohorts (gnomAD); In silico analysis suggests that this missense variant does not alter protein structure/function; This variant is associated with the following publications: (PMID: 24111713, 27247418, 27841901, 21310275, 12707239, 33673806, 35352813, 27532257, 37652022, 26338694, 40074473, 29300372)

Color Diagnostics, LLC DBA Color Health
Classification: Likely pathogenic for Cardiomyopathy. Last evaluated: 2025-08-20. Review status: criteria provided, single submitter. Criteria: ACMG Guidelines, 2015. Collection method: clinical testing. Allele origin: germline.
Comment: This missense variant replaces arginine with leucine at codon 204 of the MYH7 protein. Computational prediction suggests that this variant may not impact protein structure and function. This variant is found within a highly conserved region of the myosin head domain. Missense variants in this region have been shown to be significantly overrepresented in individuals with hypertrophic cardiomyopathy (PMID: 27532257). To our knowledge, functional studies have not been reported for this variant. This variant has been reported in over ten individuals affected with hypertrophic cardiomyopathy (PMID: 12707239, 27532257, 35352813, communication with external laboratories: SCV000749807.7, SCV000208685.13), as well as in an individual affected with sudden cardiac death and suspected cardiomyopathy (PMID: 35352813). A different missense variant occurring at the same codon, p.Arg204His, is reported to be disease-causing (ClinVar variation ID: 43095), indicating that arginine at this position is important for MYH7 protein function. This variant has not been identified in the general population by the Genome Aggregation Database (gnomAD). Based on the available evidence, this variant is classified as Likely Pathogenic.

Ambry Genetics
Classification: Likely pathogenic for Cardiovascular phenotype. Last evaluated: 2025-08-07. Review status: criteria provided, single submitter. Criteria: Ambry Variant Classification Scheme 2023. Collection method: clinical testing. Allele origin: germline.
Comment: The p.R204L variant (also known as c.611G>T), located in coding exon 5 of the MYH7 gene, results from a G to T substitution at nucleotide position 611. The arginine at codon 204 is replaced by leucine, an amino acid with dissimilar properties. This alteration is located in the myosin head domain, which contains a statistically significant clustering of pathogenic missense variants (Homburger JR et al. Proc Natl Acad Sci U S A, 2016 06;113:6701-6; Walsh R et al. Genet Med, 2017 02;19:192-203; Ambry internal data). This variant was reported in individual(s) with features consistent with hypertrophic cardiomyopathy (HCM) (Walsh R et al. Genet Med, 2017 02;19:192-203). Another variant at the same codon, p.R204H (c.611G>A), has been identified in individual(s) with features consistent with HCM (Richard P et al. Circulation. 2003). This amino acid position is well conserved in available vertebrate species. In addition, the in silico prediction for this alteration is inconclusive. This variant is considered to be rare based on population cohorts in the Genome Aggregation Database (gnomAD). Based on the majority of available evidence to date, this variant is likely to be pathogenic.

Labcorp Genetics (formerly Invitae), Labcorp
Classification: Pathogenic for Hypertrophic cardiomyopathy. Last evaluated: 2025-06-11. Review status: criteria provided, single submitter. Criteria: Invitae Variant Classification Sherloc (09022015). Collection method: clinical testing. Allele origin: germline.
Comment: This sequence change replaces arginine, which is basic and polar, with leucine, which is neutral and non-polar, at codon 204 of the MYH7 protein (p.Arg204Leu). This variant is not present in population databases (gnomAD no frequency). This missense change has been observed in individuals with hypertrophic cardiomyopathy (PMID: 27532257). ClinVar contains an entry for this variant (Variation ID: 177869). An algorithm developed specifically for the MYH7 gene suggests that this missense change is likely to be tolerated (PMID: 21310275). This variant is found within a region of MYH7 between codons 181 and 937 that contains the majority of the myosin head domain. Missense variants in this region have been shown to be significantly overrepresented in individuals with hypertrophic cardiomyopathy (PMID: 27532257). For these reasons, this variant has been classified as Pathogenic.

Blueprint Genetics
Classification: Pathogenic for MYH7-related disorders. Last evaluated: 2024-10-25. Review status: criteria provided, single submitter. Criteria: ACMG Guidelines, 2015. Collection method: clinical testing. Allele origin: germline. Affected: yes. Observed: 5 variant alleles.

Molecular Diagnostic Laboratory for Inherited Cardiovascular Disease, Montreal Heart Institute
Classification: Pathogenic for Cardiovascular phenotype. Last evaluated: 2024-09-13. Review status: criteria provided, single submitter. Criteria: ACMG Guidelines, 2015. Collection method: clinical testing. Allele origin: germline. Affected: yes.
Comment: PS4;PP1_strong;PM1;PM2;PM5

All of Us Research Program, National Institutes of Health
Classification: Likely pathogenic for Hypertrophic cardiomyopathy. Last evaluated: 2023-06-08. Review status: criteria provided, single submitter. Criteria: ACMG Guidelines, 2015. Collection method: clinical testing. Allele origin: germline. Inheritance: Autosomal dominant inheritance. Observed: 1 variant allele, 1 heterozygote.
Comment: This missense variant replaces arginine with leucine at codon 204 of the MYH7 protein. Computational prediction suggests that this variant may not impact protein structure and function (internally defined REVEL score threshold <= 0.5, PMID: 27666373). This variant is found within a highly conserved region of the myosin head domain. Missense variants in this region have been shown to be significantly overrepresented in individuals with hypertrophic cardiomyopathy (PMID: 27532257). To our knowledge, functional studies have not been reported for this variant. This variant has been reported in individuals affected with hypertrophic cardiomyopathy (PMID: 12707239, 27532257, 35352813, communication with external laboratories: SCV000749807.7, SCV000208685.13). It. has also been reported in an individual affected with sudden cardiac death and suspected cardiomyopathy (PMID: 35352813). A different variant occurring at the same codon, p.Arg204His, is a considered to be disease-causing (Clinvar variation ID: 43095), indicating that arginine at this position is important for MYH7 protein function. This variant has not been identified in the general population by the Genome Aggregation Database (gnomAD). Based on the available evidence, this variant is classified as Likely Pathogenic.

This study involves interpretation of variants in research participants for the purpose of population health screening. Participant phenotype was not available at the time of variant classification. Additional details can be found in publication PMID: 35346344, PMCID: PMC8962531

CHEO Genetics Diagnostic Laboratory, Children's Hospital of Eastern Ontario
Classification: Likely pathogenic for Cardiomyopathy. Last evaluated: 2023-01-20. Review status: criteria provided, single submitter. Criteria: ACMG Guidelines, 2015. Collection method: clinical testing. Allele origin: germline.

Eurofins Ntd Llc (ga)
Classification: Uncertain significance. Last evaluated: 2015-12-03. Review status: criteria provided, single submitter. Criteria: EGL Classification Definitions 2015. Collection method: clinical testing. Allele origin: germline. Observed: 4 variant alleles, 4 heterozygotes.

PreventionGenetics, part of Exact Sciences
Classification: Likely pathogenic for MYH7-related condition. Last evaluated: 2024-08-13. Review status: no assertion criteria provided. Collection method: clinical testing. Allele origin: germline. Not counted in ClinVar's aggregate classification.
Comment: The MYH7 c.611G>T variant is predicted to result in the amino acid substitution p.Arg204Leu. This variant has been reported in several individuals with hypertrophic cardiomyopathy (HCM) (Table S1B, Walsh et al. 2017. PubMed ID: 27532257; Table S2, Hathaway et al. 2021. PubMed ID: 33673806; Table S8, McGurk et al. 2023. PubMed ID: 37652022). An alternate nucleotide change at the same genomic position (c.611G>A; p.Arg204His) has been reported in individuals with HCM (Richard et al. 2003. PubMed ID: 12707239; Berge et al. 2014. PubMed ID: 24111713). This variant has not been reported in a large population database, indicating this variant is rare. This variant is interpreted as likely pathogenic.

Laboratory for Molecular Medicine, Mass General Brigham Personalized Medicine
Classification: Uncertain significance. Last evaluated: 2014-04-17. Review status: flagged submission. Criteria: LMM Criteria. Collection method: clinical testing. Allele origin: germline. Observed: 5 variant alleles. Not counted in ClinVar's aggregate classification.
Comment: The Arg204Leu variant in MYH7 has not been reported in the literature, but has b een identified by our laboratory in 4 Caucasian individuals with HCM, one of who m also carried another variant of unknown significance in MYBPC3. This variant h as not been identified in large European American and African American populatio ns by the NHLBI Exome Sequencing Project; oth er populations have not been examined adequately. Arginine (Arg) at this positio n is conserved in mammals and chickens, but this part of the MYH7 protein appear s to be less well conserved in more distantly related species. In addition, this variant was predicted to be benign using a computational tool clinically valida ted by our laboratory. This tool's benign prediction is estimated to be correct 89% of the time (Jordan 2011). While the presence in multiple affected individua ls and absence from the general population are consistent with a role in disease , the computational data suggest that the variant may not impact the normal func tion of the protein. In summary, additional information is needed to fully asses s the clinical significance of the Arg204Leu variant.
ClinVar note: Reason: Older and outlier claim with insufficient supporting evidence

Literature cited by the submitters: PubMed 12707239 (cited by 3 submitters); PubMed 27532257 (cited by 5 submitters); PubMed 35352813 (cited by Color Diagnostics, LLC DBA Color Health and All of Us Research Program, National Institutes of Health); PubMed 21310275 (cited by Labcorp Genetics (formerly Invitae), Labcorp).

NM_000257.4(MYH7):c.611G>T (p.Arg204Leu)

Gene: MYH7 (myosin heavy chain 7; minus strand). Cytogenetic location: 14q11.2.
Variant type: single nucleotide variant.
Coding change: c.611G>T on transcript NM_000257.4 (MANE Select); coding-DNA position 611, G replaced by T.
Protein change: p.Arg204Leu; replaces arginine 204 with leucine.
Molecular consequence: missense variant.
Genome position (GRCh38, 1-based): chr14:23,431,789, C>A on the plus strand (G>T on the coding strand, the complement: MYH7 is on the minus strand). VCF-style: chr14-23431789-C-A. GRCh37 (hg19) VCF-style: chr14-23900998-C-A.
Other names: short protein forms R204L.
Identifiers: ClinVar variation 177869 (VCV000177869.34), dbSNP rs397516260, ClinGen allele CA016552.